The following is an entry in ClinVar:

NM_001385012.1(NBEA):c.2012G>A (p.Arg671Gln)

Gene: NBEA (neurobeachin; plus strand). Cytogenetic location: 13q13.3.
Variant type: single nucleotide variant.
Coding change: c.2012G>A on transcript NM_001385012.1 (MANE Select); coding-DNA position 2012, G replaced by A.
Protein change: p.Arg671Gln; replaces arginine 671 with glutamine.
Molecular consequence: missense variant.
Genome position (GRCh38, 1-based): chr13:35,117,423, G>A. VCF-style: chr13-35117423-G-A. GRCh37 (hg19) VCF-style: chr13-35691560-G-A.
Other names: c.2012G>A, p.Arg671Gln (NM_001379245.1, NM_015678.5); short protein forms R671Q.
Identifiers: ClinVar variation 3057951 (VCV003057951.2), dbSNP rs1002961122, ClinGen allele CA248075254.
Genomic context (GRCh38, chr13:35,117,423, plus strand): 5'-AATTTAATATCTTGTATTTTTTATTTTACTTTTTTTTCTGTTTTGTTCTAGATGGTCCCC[G>A]GCCATCACAAAAAGAAATTATATCACTGAGGGCATTTATGCTACTTTTTCTGAAACAGCT-3'
Protein context (NP_001371941.1, residues 661-681): GITPKGLDGP[Arg671Gln]PSQKEIISLR

ClinVar aggregate classification (germline): Uncertain significance (0 of 4 stars; one submission).

Conditions:
NBEA-related disorder. Also called: NBEA-related condition.

Allele frequency attached by ClinVar (database versions not stated): gnomAD 0.00003; gnomAD exomes 0.00003; TOPMed 0.00003.
gnomAD v4.1: 45 of 1,367,010 alleles (0.0033%); highest among the groups gnomAD compares: African/African-American, 0.0045%; no homozygotes.

Submission:

PreventionGenetics, part of Exact Sciences
Classification: Uncertain significance for NBEA-related condition. Last evaluated: 2023-12-06. Review status: no assertion criteria provided. Collection method: clinical testing. Allele origin: germline.
Comment: The NBEA c.2012G>A variant is predicted to result in the amino acid substitution p.Arg671Gln. To our knowledge, this variant has not been reported in the literature. This variant is reported in 0.0072% of alleles in individuals of Latino descent in gnomAD. At this time, the clinical significance of this variant is uncertain due to the absence of conclusive functional and genetic evidence.